The following is an entry in ClinVar:

NM_001042413.2(GLIS3):c.546A>G (p.Leu182=)

Gene: GLIS3 (GLIS family zinc finger 3; minus strand). Cytogenetic location: 9p24.2.
Variant type: single nucleotide variant.
Coding change: c.546A>G on transcript NM_001042413.2 (MANE Select); coding-DNA position 546, A replaced by G.
Protein change: p.Leu182=; no amino-acid change (leucine 182 retained).
Molecular consequence: synonymous variant.
Genome position (GRCh38, 1-based): chr9:4,125,784, T>C on the plus strand (A>G on the coding strand, the complement: GLIS3 is on the minus strand). VCF-style: chr9-4125784-T-C. GRCh37 (hg19) VCF-style: chr9-4125784-T-C.
Other names: c.81A>G, p.Leu27= (NM_152629.4).
Identifiers: ClinVar variation 2502111 (VCV002502111.1), dbSNP rs372037205, ClinGen allele CA463720742.
Genomic context (GRCh38, chr9:4,125,784, plus strand): 5'-AACTTGAGACCTGGTATCTGAAGGAGGTATATTCAGGTTGGCTGCATTCATTGCCCTCTG[T>C]AAGCTAGGACTGATCTGGTTGCATGCTGTAGAGACCTGGCTTGCTGGAGGTGAAATGAGT-3'
Protein context (NP_001035878.1, residues 172-192): STACNQISPS[Leu182=]QRAMNAANLN

ClinVar aggregate classification (germline): Uncertain significance (1 of 4 stars; one submission).

Submission:

GeneDx
Classification: Uncertain significance. Last evaluated: 2022-11-15. Review status: criteria provided, single submitter. Criteria: GeneDx Variant Classification Process June 2021. Collection method: clinical testing. Allele origin: germline. Affected: yes.
Comment: Not observed at significant frequency in large population cohorts (gnomAD); In silico analysis supports that this variant does not alter splicing; Has not been previously published as pathogenic or benign to our knowledge